The following is an entry in ClinVar:

ClinVar aggregate classification (germline): Likely benign (1 of 4 stars; one submission).

Submission:

CeGaT Center for Human Genetics Tuebingen
Classification: Likely benign. Last evaluated: 2024-08-01. Review status: criteria provided, single submitter. Criteria: CeGaT Center For Human Genetics Tuebingen Variant Classification Criteria Version 2. Collection method: clinical testing. Allele origin: germline. Affected: yes. Observed: 1 variant allele.
Comment: DPP9: BP4, BP7

NM_139159.5(DPP9):c.354T>G (p.Ser118=)

Gene: DPP9 (dipeptidyl peptidase 9; minus strand). Cytogenetic location: 19p13.3.
Variant type: single nucleotide variant.
Coding change: c.354T>G on transcript NM_139159.5 (MANE Select); coding-DNA position 354, T replaced by G.
Protein change: p.Ser118=; no amino-acid change (serine 118 retained).
Molecular consequence: synonymous variant. On other transcripts: non-coding transcript variant (11).
Genome position (GRCh38, 1-based): chr19:4,705,930, A>C on the plus strand (T>G on the coding strand, the complement: DPP9 is on the minus strand). VCF-style: chr19-4705930-A-C. GRCh37 (hg19) VCF-style: chr19-4705942-A-C.
Other names: c.354T>G, p.Ser118= (NM_001365987.2, NM_001384611.1, NM_001384612.1 and 19 more transcripts); c.267T>G, p.Ser89= (NM_001384623.1, NM_001384624.1, NM_001384625.1 and 4 more transcripts).
Identifiers: ClinVar variation 3341730 (VCV003341730.16).